The following is an entry in ClinVar:

NM_015721.3(GEMIN4):c.823G>C (p.Val275Leu)

Gene: GEMIN4 (gem nuclear organelle associated protein 4; minus strand). Cytogenetic location: 17p13.3.
Variant type: single nucleotide variant.
Coding change: c.823G>C on transcript NM_015721.3 (MANE Select); coding-DNA position 823, G replaced by C.
Protein change: p.Val275Leu; replaces valine 275 with leucine.
Molecular consequence: missense variant.
Genome position (GRCh38, 1-based): chr17:747,220, C>G on the plus strand (G>C on the coding strand, the complement: GEMIN4 is on the minus strand). VCF-style: chr17-747220-C-G. GRCh37 (hg19) VCF-style: chr17-650460-C-G.
Other names: short protein forms V275L.
Identifiers: ClinVar variation 3519630 (VCV003519630.2).

ClinVar aggregate classification (germline): Uncertain significance. Review status: criteria provided, multiple submitters, no conflicts (2 of 4 stars). 2 submissions from 2 submitters: Uncertain significance (2). Last evaluated 2024-09-23.

gnomAD v4.1: 9 of 1,613,750 alleles (0.00056%); highest among the groups gnomAD compares: Admixed American, 0.012%; no homozygotes.

Submissions (2):

GeneDx
Classification: Uncertain significance. Last evaluated: 2024-09-23. Review status: criteria provided, single submitter. Criteria: GeneDx Variant Classification Process June 2021. Collection method: clinical testing. Allele origin: germline. Affected: yes.
Comment: In silico analysis indicates that this missense variant does not alter protein structure/function; Has not been previously published as pathogenic or benign to our knowledge

Ambry Genetics
Classification: Uncertain significance. Last evaluated: 2024-08-21. Review status: criteria provided, single submitter. Criteria: Ambry Variant Classification Scheme 2023. Collection method: clinical testing. Allele origin: germline.